The following is an entry in ClinVar:

NM_005529.7(HSPG2):c.1521C>A (p.Asp507Glu)

Gene: HSPG2 (heparan sulfate proteoglycan 2; minus strand). Cytogenetic location: 1p36.12.
Variant type: single nucleotide variant.
Coding change: c.1521C>A on transcript NM_005529.7 (MANE Select); coding-DNA position 1521, C replaced by A.
Protein change: p.Asp507Glu; replaces aspartic acid 507 with glutamic acid.
Molecular consequence: missense variant.
Genome position (GRCh38, 1-based): chr1:21,884,661, G>T on the plus strand (C>A on the coding strand, the complement: HSPG2 is on the minus strand). VCF-style: chr1-21884661-G-T. GRCh37 (hg19) VCF-style: chr1-22211154-G-T.
Other names: c.1524C>A, p.Asp508Glu (NM_001291860.2); short protein forms D507E, D508E.
Identifiers: ClinVar variation 3627144 (VCV003627144.2).
Genomic context (GRCh38, chr1:21,884,661, plus strand): 5'-GGTGATGCCAAAGCAGAAGCAGGGCAGGCAGGCGGCGCTGTGCTCCAGGTAGAAGTGGCC[G>T]TCAGGGCAGGGGCCTGCTGGGCGGCATGGGCGGGGGCTGCAGCCGGCTGTGGTGGGCAGC-3'
Protein context (NP_005520.4, residues 497-517): ELVPQRGPCP[Asp507Glu]GHFYLEHSAA

ClinVar aggregate classification (germline): Uncertain significance (1 of 4 stars; one submission).

gnomAD v4.1: 3 of 1,612,016 alleles (0.00019%); highest among the groups gnomAD compares: South Asian, 0.0033%; no homozygotes.

Submission:

Labcorp Genetics (formerly Invitae), Labcorp
Classification: Uncertain significance. Last evaluated: 2024-11-06. Review status: criteria provided, single submitter. Criteria: Invitae Variant Classification Sherloc (09022015). Collection method: clinical testing. Allele origin: germline.
Comment: This sequence change replaces aspartic acid, which is acidic and polar, with glutamic acid, which is acidic and polar, at codon 507 of the HSPG2 protein (p.Asp507Glu). This variant is present in population databases (rs748189703, gnomAD 0.007%). This variant has not been reported in the literature in individuals affected with HSPG2-related conditions. An algorithm developed to predict the effect of missense changes on protein structure and function (PolyPhen-2) suggests that this variant is likely to be tolerated. In summary, the available evidence is currently insufficient to determine the role of this variant in disease. Therefore, it has been classified as a Variant of Uncertain Significance.